The following is an entry in ClinVar:

ClinVar aggregate classification (germline): Uncertain significance. Review status: criteria provided, multiple submitters, no conflicts (2 of 4 stars). 2 submissions from 2 submitters: Uncertain significance (2). Last evaluated 2025-01-28.

Conditions:
Cardiovascular phenotype. Identifiers: MedGen CN230736.
Brugada syndrome 5 (BRGDA5). Identifiers: Orphanet 130, Orphanet 871, MedGen C2748541, MONDO:0013015, OMIM 612838.

Submissions (2):

Labcorp Genetics (formerly Invitae), Labcorp
Classification: Uncertain significance for Brugada syndrome 5. Last evaluated: 2025-01-28. Review status: criteria provided, single submitter. Criteria: Invitae Variant Classification Sherloc (09022015). Collection method: clinical testing. Allele origin: germline.
Comment: The SCN1B gene has multiple clinically relevant transcripts. This variant occurs in alternate transcript NM_001037.5, and corresponds to NM_199037.3:c.*5121_*5123del in the primary transcript. This variant, c.551_553del, results in the deletion of 1 amino acid(s) of the SCN1B protein (p.Lys184del), but otherwise preserves the integrity of the reading frame. This variant is present in population databases (no rsID available, gnomAD 0.003%). This variant has not been reported in the literature in individuals affected with SCN1B-related conditions. Experimental studies and prediction algorithms are not available or were not evaluated, and the functional significance of this variant is currently unknown. In summary, the available evidence is currently insufficient to determine the role of this variant in disease. Therefore, it has been classified as a Variant of Uncertain Significance.

Ambry Genetics
Classification: Uncertain significance for Cardiovascular phenotype. Last evaluated: 2021-04-13. Review status: criteria provided, single submitter. Criteria: Ambry Variant Classification Scheme 2023. Collection method: clinical testing. Allele origin: germline.
Comment: The c.551_553delAGA variant (also known as p.K184del) is located in coding exon 4 of the SCN1B gene. This variant results from an in-frame AGA deletion at nucleotide positions 551 to 553. This results in the in-frame deletion of a lysine at codon 184. This amino acid position is highly conserved in available vertebrate species. In addition, this alteration is predicted to be deleterious by in silico analysis (Choi Y et al. PLoS ONE. 2012; 7(10):e46688). Since supporting evidence is limited at this time, the clinical significance of this alteration remains unclear.

NM_001037.5(SCN1B):c.548AGA[1] (p.Lys184del)

Gene: SCN1B (sodium voltage-gated channel beta subunit 1; plus strand). Cytogenetic location: 19q13.11.
Variant type: Microsatellite.
Coding change: c.548AGA[1] on transcript NM_001037.5 (MANE Select); one copy of the 3-base unit AGA starting at c.548; the reference has two copies in a row; one copy, 3 bases deleted.
Protein change: p.Lys184del; deletes lysine 184.
Molecular consequence: inframe deletion.
Genome position (GRCh38, 1-based): chr19:35,039,219-35,039,221, AGA deleted; deleting any 3 consecutive bases within chr19:35,039,215-35,039,221 gives the same sequence; the position shown is the placement nearest the transcript's 3' end. VCF-style (leftmost placement, unchanged base first): chr19-35039214-CAAG-C. GRCh37 (hg19) VCF-style: chr19-35530118-CAAG-C.
Other names: c.449AGA[1], p.Lys151del (NM_001321605.2); short protein forms K184del, K151del.
Identifiers: ClinVar variation 1748032 (VCV001748032.7), dbSNP rs1568351975, ClinGen allele CA632754813.